The following is an entry in ClinVar:

NM_015072.5(TTLL5):c.2162G>A (p.Arg721Gln)

Gene: TTLL5 (tubulin tyrosine ligase like 5; plus strand). Cytogenetic location: 14q24.3.
Variant type: single nucleotide variant.
Coding change: c.2162G>A on transcript NM_015072.5 (MANE Select); coding-DNA position 2162, G replaced by A.
Protein change: p.Arg721Gln; replaces arginine 721 with glutamine.
Molecular consequence: missense variant.
Genome position (GRCh38, 1-based): chr14:75,775,509, G>A. VCF-style: chr14-75775509-G-A. GRCh37 (hg19) VCF-style: chr14-76241852-G-A.
Other names: short protein forms R721Q.
Identifiers: ClinVar variation 1000070 (VCV001000070.6), dbSNP rs746631669, ClinGen allele CA7279636.

ClinVar aggregate classification (germline): Uncertain significance (1 of 4 stars; one submission).

Allele frequency attached by ClinVar (database versions not stated): ExAC 0.00001; gnomAD 0.00001; gnomAD exomes 0.00002 and 0.00003; TOPMed 0.00002.
gnomAD v4.1: 48 of 1,613,438 alleles (0.003%); highest among the groups gnomAD compares: East Asian, 0.065%; no homozygotes.

Submission:

Labcorp Genetics (formerly Invitae), Labcorp
Classification: Uncertain significance. Last evaluated: 2025-11-03. Review status: criteria provided, single submitter. Criteria: Invitae Variant Classification Sherloc (09022015). Collection method: clinical testing. Allele origin: germline.
Comment: This sequence change replaces arginine, which is basic and polar, with glutamine, which is neutral and polar, at codon 721 of the TTLL5 protein (p.Arg721Gln). This variant is present in population databases (rs746631669, gnomAD 0.006%). This variant has not been reported in the literature in individuals affected with TTLL5-related conditions. ClinVar contains an entry for this variant (Variation ID: 1000070). Invitae Evidence Modeling of protein sequence and biophysical properties (such as structural, functional, and spatial information, amino acid conservation, physicochemical variation, residue mobility, and thermodynamic stability) has been performed for this missense variant. However, the output from this modeling did not meet the statistical confidence thresholds required to predict the impact of this variant on TTLL5 protein function. In summary, the available evidence is currently insufficient to determine the role of this variant in disease. Therefore, it has been classified as a Variant of Uncertain Significance.